The following is an entry in ClinVar:

NM_005159.5(ACTC1):c.234C>T (p.Ile78=)

Genes: ACTC1 (actin alpha cardiac muscle 1; minus strand), GJD2-DT (GJD2 divergent transcript; plus strand). Cytogenetic location: 15q14.
Variant type: single nucleotide variant.
Coding change: c.234C>T on transcript NM_005159.5 (MANE Select); coding-DNA position 234, C replaced by T.
Protein change: p.Ile78=; no amino-acid change (isoleucine 78 retained).
Molecular consequence: synonymous variant.
Genome position (GRCh38, 1-based): chr15:34,793,465, G>A on the plus strand (C>T on the coding strand, the complement: ACTC1 is on the minus strand). VCF-style: chr15-34793465-G-A. GRCh37 (hg19) VCF-style: chr15-35085666-G-A.
Identifiers: ClinVar variation 1171873 (VCV001171873.6), dbSNP rs1393400015, ClinGen allele CA489655849.

ClinVar aggregate classification (germline): Likely benign. Review status: criteria provided, multiple submitters, no conflicts (2 of 4 stars). 3 submissions from 3 submitters: Likely benign (3). Last evaluated 2023-11-30.

Conditions:
Hypertrophic cardiomyopathy. Also called: HYPERTROPHIC MYOCARDIOPATHY. Identifiers: Orphanet 217569, MedGen C0007194, MeSH D002312, MONDO:0005045, HP:0001639.
Cardiomyopathy (CMYO). Also called: Cardiomyopathies. Identifiers: Orphanet 167848, MedGen C0878544, MONDO:0004994, HP:0001638. Inheritance: Various modes of inheritance.
Hypertrophic cardiomyopathy 11. Also called: ACTC1-Related Familial Hypertrophic Cardiomyopathy. Identifiers: MedGen C2677506, MONDO:0012799, OMIM 612098.
Dilated cardiomyopathy 1R (CMD1R). Identifiers: Orphanet 154, Orphanet 54260, MedGen C3150681, MONDO:0013261, OMIM 613424.
Atrial septal defect 5 (ASD5). Identifiers: Orphanet 1478, MedGen C2748552, MONDO:0013011, OMIM 612794.

Allele frequency attached by ClinVar (database versions not stated): TOPMed below 0.00001.

Submissions (3):

All of Us Research Program, National Institutes of Health
Classification: Likely benign for Hypertrophic cardiomyopathy. Last evaluated: 2023-11-30. Review status: criteria provided, single submitter. Criteria: ACMG Guidelines, 2015. Collection method: clinical testing. Allele origin: germline. Inheritance: Autosomal dominant inheritance. Observed: 1 variant allele, 1 heterozygote.
Comment: This study involves interpretation of variants in research participants for the purpose of population health screening. Participant phenotype was not available at the time of variant classification. Additional details can be found in publication PMID: 35346344, PMCID: PMC8962531

Labcorp Genetics (formerly Invitae), Labcorp
Classification: Likely benign for Dilated cardiomyopathy 1R; Hypertrophic cardiomyopathy 11; Atrial septal defect 5. Last evaluated: 2023-09-10. Review status: criteria provided, single submitter. Criteria: Invitae Variant Classification Sherloc (09022015). Collection method: clinical testing. Allele origin: germline.

Color Diagnostics, LLC DBA Color Health
Classification: Likely benign for Cardiomyopathy. Last evaluated: 2021-02-02. Review status: criteria provided, single submitter. Criteria: ACMG Guidelines, 2015. Collection method: clinical testing. Allele origin: germline.